The following is an entry in ClinVar:

ClinVar aggregate classification (germline): Uncertain significance (1 of 4 stars; one submission).

Submission:

GeneDx
Classification: Uncertain significance. Last evaluated: 2017-07-11. Review status: criteria provided, single submitter. Criteria: GeneDx Variant Classification (06012015). Collection method: clinical testing. Allele origin: germline. Affected: yes.
Comment: The Q2404X variant has not beenpublished in association with a cardiovascular phenotype to our knowledge. Furthermore, it is not observed in largepopulation cohorts (Lek et al., 2016; 1000 Genomes Consortium et al., 2015; Exome Variant Server). The Q2404Xvariant is predicted to result in protein truncation of the C terminus by 152 amino acids. However, no otherdownstream nonsense variants in the NOTCH1 gene, and only one downstream frameshift variant in the NOTCH1gene, have been reported in the Human Gene Mutation Database in association with cardiac disease (Stenson et al.,2014). Therefore, the effect of protein truncation in this region of the protein is uncertain.

NM_017617.5(NOTCH1):c.7210C>T (p.Gln2404Ter)

Gene: NOTCH1 (notch receptor 1; minus strand). Cytogenetic location: 9q34.3.
Variant type: single nucleotide variant.
Coding change: c.7210C>T on transcript NM_017617.5 (MANE Select); coding-DNA position 7210, C replaced by T.
Protein change: p.Gln2404Ter; replaces glutamine 2404 with a stop codon.
Molecular consequence: nonsense.
Genome position (GRCh38, 1-based): chr9:136,496,529, G>A on the plus strand (C>T on the coding strand, the complement: NOTCH1 is on the minus strand). VCF-style: chr9-136496529-G-A. GRCh37 (hg19) VCF-style: chr9-139390981-G-A.
Other names: c.7210C>T, p.Gln2404Ter (LRG_1122t1); short protein forms Q2404*.
Identifiers: ClinVar variation 489027 (VCV000489027.1), dbSNP rs1554826400, ClinGen allele CA375627658.